The following is an entry in ClinVar:

ClinVar aggregate classification (germline): Likely pathogenic (1 of 4 stars; one submission).

Conditions:
Dilated cardiomyopathy 1G (CMD1G). Identifiers: Orphanet 154, MedGen C1858763, MONDO:0011400, OMIM 604145.
Autosomal recessive limb-girdle muscular dystrophy type 2J (LGMDR10). Also called: Limb-girdle muscular dystrophy, type 2J; MUSCULAR DYSTROPHY, LIMB-GIRDLE, AUTOSOMAL RECESSIVE 10. Identifiers: Orphanet 140922, MedGen C1837342, MONDO:0012127, OMIM 608807.

Submission:

Labcorp Genetics (formerly Invitae), Labcorp
Classification: Likely pathogenic for Dilated cardiomyopathy 1G; Autosomal recessive limb-girdle muscular dystrophy type 2J. Last evaluated: 2024-10-18. Review status: criteria provided, single submitter. Criteria: Invitae Variant Classification Sherloc (09022015). Collection method: clinical testing. Allele origin: germline.
Comment: This sequence change creates a premature translational stop signal (p.Glu11682Lysfs*18) in the TTN gene. While this is not anticipated to result in nonsense mediated decay, it is expected to create a truncated TTN protein. This variant is not present in population databases (gnomAD no frequency). This variant has not been reported in the literature in individuals affected with TTN-related conditions. ClinVar contains an entry for this variant (Variation ID: 968073). This variant is located in the I band of TTN (PMID: 25589632). Truncating variants in this region have been reported in individuals affected with autosomal recessive centronuclear myopathy (PMID: 23975875, internal data). Truncating variants in this region have also been identified in individuals affected with autosomal dominant dilated cardiomyopathy and/or cardio-related conditions (PMID: 27869827, 32964742, internal data). In summary, the currently available evidence indicates that the variant is pathogenic, but additional data are needed to prove that conclusively. Therefore, this variant has been classified as Likely Pathogenic.

Literature cited by the submitters: PubMed 25589632; PubMed 23975875; PubMed 27869827; PubMed 32964742.

NM_001267550.2(TTN):c.35044del (p.Glu11682fs)

Gene: TTN (titin; minus strand). Cytogenetic location: 2q31.2.
Variant type: Deletion.
Coding change: c.35044del on transcript NM_001267550.2 (MANE Select); coding-DNA position 35044, one base deleted (G; older notation c.35044delG).
Protein change: p.Glu11682fs; shifts the reading frame from glutamic acid 11682.
Molecular consequence: frameshift variant. On other transcripts: intron variant (3).
Genome position (GRCh38, 1-based): chr2:178,672,154, C deleted on the plus strand (G on the coding strand, the reverse complement: TTN is on the minus strand). VCF-style (leftmost placement, unchanged base first): chr2-178672153-TC-T. GRCh37 (hg19) VCF-style: chr2-179536880-TC-T.
Other names: c.33922del, p.Glu11308fs (NM_001256850.1); c.31141del, p.Glu10381fs (NM_133378.4); c.13283-29837del (NM_003319.4); c.13859-29837del (NM_133437.4); c.13658-29837del (NM_133432.3); short protein forms E10381fs, E11308fs, E11682fs.
Identifiers: ClinVar variation 968073 (VCV000968073.10), dbSNP rs2067110004, ClinGen allele CA1139657477.